The following is an entry in ClinVar:

NM_015627.3(LDLRAP1):c.566G>A (p.Gly189Glu)

Gene: LDLRAP1 (low density lipoprotein receptor adaptor protein 1; plus strand). Cytogenetic location: 1p36.11.
Variant type: single nucleotide variant.
Coding change: c.566G>A on transcript NM_015627.3 (MANE Select); coding-DNA position 566, G replaced by A.
Protein change: p.Gly189Glu; replaces glycine 189 with glutamic acid.
Molecular consequence: missense variant.
Genome position (GRCh38, 1-based): chr1:25,563,103, G>A. VCF-style: chr1-25563103-G-A. GRCh37 (hg19) VCF-style: chr1-25889594-G-A.
Other names: short protein forms G189E.
Identifiers: ClinVar variation 1748953 (VCV001748953.2), dbSNP rs753736059, ClinGen allele CA695627.

ClinVar aggregate classification (germline): Uncertain significance (1 of 4 stars; one submission).

Conditions:
Cardiovascular phenotype. Identifiers: MedGen CN230736.

Allele frequency attached by ClinVar (database versions not stated): TOPMed below 0.00001; ExAC 0.00001.

Submission:

Ambry Genetics
Classification: Uncertain significance for Cardiovascular phenotype. Last evaluated: 2022-05-02. Review status: criteria provided, single submitter. Criteria: Ambry Variant Classification Scheme 2023. Collection method: clinical testing. Allele origin: germline.
Comment: The p.G189E variant (also known as c.566G>A), located in coding exon 6 of the LDLRAP1 gene, results from a G to A substitution at nucleotide position 566. The glycine at codon 189 is replaced by glutamic acid, an amino acid with similar properties. This amino acid position is conserved. In addition, this alteration is predicted to be tolerated by in silico analysis. Since supporting evidence is limited at this time, the clinical significance of this alteration remains unclear.